The following is an entry in ClinVar:

ClinVar aggregate classification (germline): Uncertain significance (1 of 4 stars; one submission).

Allele frequency attached by ClinVar (database versions not stated): TOPMed below 0.00001; gnomAD exomes 0.00001.
gnomAD v4.1: 11 of 1,549,480 alleles (0.00071%); highest among the groups gnomAD compares: Non-Finnish European, 0.00089%; no homozygotes.

Submission:

Labcorp Genetics (formerly Invitae), Labcorp
Classification: Uncertain significance. Last evaluated: 2022-02-10. Review status: criteria provided, single submitter. Criteria: Invitae Variant Classification Sherloc (09022015). Collection method: clinical testing. Allele origin: germline.
Comment: This sequence change falls in intron 4 of the CD55 gene. It does not directly change the encoded amino acid sequence of the CD55 protein. It affects a nucleotide within the consensus splice site. This variant is not present in population databases (gnomAD no frequency). This variant has not been reported in the literature in individuals affected with CD55-related conditions. Variants that disrupt the consensus splice site are a relatively common cause of aberrant splicing (PMID: 17576681, 9536098). Algorithms developed to predict the effect of sequence changes on RNA splicing suggest that this variant is not likely to affect RNA splicing. In summary, the available evidence is currently insufficient to determine the role of this variant in disease. Therefore, it has been classified as a Variant of Uncertain Significance.

Literature cited by the submitters: PubMed 17576681; PubMed 9536098.

NM_000574.5(CD55):c.578+3A>G

Gene: CD55 (CD55 molecule (Cromer blood group); plus strand). Cytogenetic location: 1q32.2.
Variant type: single nucleotide variant.
Coding change: c.578+3A>G on transcript NM_000574.5 (MANE Select); 3 bases into the intron after coding-DNA position 578, A replaced by G.
Molecular consequence: intron variant.
Genome position (GRCh38, 1-based): chr1:207,325,724, A>G. VCF-style: chr1-207325724-A-G. GRCh37 (hg19) VCF-style: chr1-207499069-A-G.
Other names: c.578+3A>G (NM_001114752.3, NM_001300903.2, NM_001300904.2 and 1 more transcripts).
Identifiers: ClinVar variation 1429707 (VCV001429707.3), dbSNP rs1224525007, ClinGen allele CA730641184.